The following is an entry in ClinVar:

NM_002691.4(POLD1):c.1229C>T (p.Ala410Val)

Gene: POLD1 (DNA polymerase delta 1, catalytic subunit; plus strand). Cytogenetic location: 19q13.33.
Variant type: single nucleotide variant.
Coding change: c.1229C>T on transcript NM_002691.4 (MANE Select); coding-DNA position 1229, C replaced by T.
Protein change: p.Ala410Val; replaces alanine 410 with valine.
Molecular consequence: missense variant. On other transcripts: non-coding transcript variant (1).
Genome position (GRCh38, 1-based): chr19:50,403,584, C>T. VCF-style: chr19-50403584-C-T. GRCh37 (hg19) VCF-style: chr19-50906841-C-T.
Other names: c.1229C>T, p.Ala410Val (NM_001256849.1, NM_001308632.1); short protein forms A410V.
Identifiers: ClinVar variation 2882832 (VCV002882832.3), dbSNP rs2038751024, ClinGen allele CA406978624.

ClinVar aggregate classification (germline): Uncertain significance (1 of 4 stars; one submission).

Conditions:
POLD1-related polyposis and colorectal cancer syndrome (CRCS10). Also called: Colorectal cancer 10; COLORECTAL CANCER, SUSCEPTIBILITY TO, ON CHROMOSOME 19q; Colorectal cancer, susceptibility to, 10. Identifiers: Orphanet 220460, MedGen C2675481, MONDO:0012953, OMIM 612591.

Submission:

Labcorp Genetics (formerly Invitae), Labcorp
Classification: Uncertain significance for POLD1-related polyposis and colorectal cancer syndrome. Last evaluated: 2023-04-25. Review status: criteria provided, single submitter. Criteria: Invitae Variant Classification Sherloc (09022015). Collection method: clinical testing. Allele origin: germline.
Comment: This variant has not been reported in the literature in individuals affected with POLD1-related conditions. In summary, the available evidence is currently insufficient to determine the role of this variant in disease. Therefore, it has been classified as a Variant of Uncertain Significance. Advanced modeling of protein sequence and biophysical properties (such as structural, functional, and spatial information, amino acid conservation, physicochemical variation, residue mobility, and thermodynamic stability) has been performed at Invitae for this missense variant, however the output from this modeling did not meet the statistical confidence thresholds required to predict the impact of this variant on POLD1 protein function. This variant is not present in population databases (gnomAD no frequency). This sequence change replaces alanine, which is neutral and non-polar, with valine, which is neutral and non-polar, at codon 410 of the POLD1 protein (p.Ala410Val).